The following is an entry in ClinVar:

ClinVar aggregate classification (germline): Pathogenic. Review status: criteria provided, single submitter (1 of 4 stars). 2 submissions from 2 submitters: Pathogenic (1). 1 of the submissions does not count toward it. Last evaluated 2022-07-12.

Conditions:
Bardet-Biedl syndrome 1 (BBS1). Identifiers: MedGen C2936862, MONDO:0008854, OMIM 209900. Disease mechanism: loss of function.
Bardet-Biedl syndrome (BBS). Identifiers: Orphanet 110, MedGen C0752166, MONDO:0015229.

Allele frequency attached by ClinVar (database versions not stated): gnomAD exomes below 0.00001.

Submissions (2):

Labcorp Genetics (formerly Invitae), Labcorp
Classification: Pathogenic for Bardet-Biedl syndrome. Last evaluated: 2022-07-12. Review status: criteria provided, single submitter. Criteria: Invitae Variant Classification Sherloc (09022015). Collection method: clinical testing. Allele origin: germline.
Comment: For these reasons, this variant has been classified as Pathogenic. ClinVar contains an entry for this variant (Variation ID: 555614). This variant has not been reported in the literature in individuals affected with BBS1-related conditions. This variant is not present in population databases (gnomAD no frequency). This sequence change creates a premature translational stop signal (p.Lys116*) in the BBS1 gene. It is expected to result in an absent or disrupted protein product. Loss-of-function variants in BBS1 are known to be pathogenic (PMID: 12118255, 21520335, 27032803).

Counsyl
Classification: Likely pathogenic for Bardet-Biedl syndrome 1. Last evaluated: 2017-12-14. Review status: no assertion criteria provided. Collection method: clinical testing. Allele origin: unknown. Not counted in ClinVar's aggregate classification.

Literature cited by the submitters: PubMed 12118255 (cited by Labcorp Genetics (formerly Invitae), Labcorp); PubMed 21520335 (cited by Labcorp Genetics (formerly Invitae), Labcorp); PubMed 27032803 (cited by Labcorp Genetics (formerly Invitae), Labcorp); PubMed 27659767 (cited by Counsyl).

NM_024649.5(BBS1):c.345dup (p.Lys116Ter)

Gene: BBS1 (Bardet-Biedl syndrome 1; plus strand). Cytogenetic location: 11q13.2.
Variant type: Duplication.
Coding change: c.345dup on transcript NM_024649.5 (MANE Select); coding-DNA position 345, one base duplicated (T; older notation c.345dupT).
Protein change: p.Lys116Ter; replaces lysine 116 with a stop codon.
Molecular consequence: nonsense.
Genome position (GRCh38, 1-based): chr11:66,514,591, T duplicated. VCF-style (leftmost placement, unchanged base first): chr11-66514590-A-AT. GRCh37 (hg19) VCF-style: chr11-66282061-A-AT.
Other names: c.345dupT (NM_024649.4); short protein forms K116*.
Identifiers: ClinVar variation 555614 (VCV000555614.9), dbSNP rs1555046611, ClinGen allele CA658822296.